The following is an entry in ClinVar:

ClinVar aggregate classification (germline): Uncertain significance (1 of 4 stars; one submission).

Submission:

CeGaT Center for Human Genetics Tuebingen
Classification: Uncertain significance. Last evaluated: 2025-04-01. Review status: criteria provided, single submitter. Criteria: CeGaT Center For Human Genetics Tuebingen Variant Classification Criteria Version 2. Collection method: clinical testing. Allele origin: germline. Affected: yes. Observed: 1 variant allele.
Comment: TTN: PM2, BP4

NM_001267550.2(TTN):c.16735G>A (p.Ala5579Thr)

Gene: TTN (titin; minus strand). Cytogenetic location: 2q31.2.
Variant type: single nucleotide variant.
Coding change: c.16735G>A on transcript NM_001267550.2 (MANE Select); coding-DNA position 16735, G replaced by A.
Protein change: p.Ala5579Thr; replaces alanine 5579 with threonine.
Molecular consequence: missense variant. On other transcripts: intron variant (3).
Genome position (GRCh38, 1-based): chr2:178,732,234, C>T on the plus strand (G>A on the coding strand, the complement: TTN is on the minus strand). VCF-style: chr2-178732234-C-T. GRCh37 (hg19) VCF-style: chr2-179596961-C-T.
Other names: c.15784G>A, p.Ala5262Thr (NM_001256850.1); c.13003G>A, p.Ala4335Thr (NM_133378.4); c.13282+5848G>A (NM_003319.4); c.13858+5848G>A (NM_133437.4); c.13657+5848G>A (NM_133432.3); short protein forms A4335T, A5262T, A5579T.
Identifiers: ClinVar variation 3898543 (VCV003898543.7).